The following is an entry in ClinVar:

ClinVar aggregate classification (germline): Conflicting classifications of pathogenicity. Review status: criteria provided, conflicting classifications (1 of 4 stars). 2 submissions from 2 submitters: Uncertain significance (1); Likely benign (1). Last evaluated 2026-01-18.

Conditions:
Inflammatory bowel disease 25. Also called: Inflammatory bowel disease 25, early onset, autosomal recessive. Identifiers: Orphanet 238569, MedGen C2675508, MONDO:0012941, OMIM 612567.

Allele frequency attached by ClinVar (database versions not stated): gnomAD exomes 0.00009 and 0.00028; gnomAD 0.00019; TOPMed 0.00023; ExAC 0.00029; 1000 Genomes Project 0.00040; 1000 Genomes Project 30x 0.00047.
gnomAD v4.1: 191 of 1,612,662 alleles (0.012%); highest among the groups gnomAD compares: East Asian, 0.19%; no homozygotes.

Submissions (2):

Labcorp Genetics (formerly Invitae), Labcorp
Classification: Likely benign for Inflammatory bowel disease 25. Last evaluated: 2026-01-18. Review status: criteria provided, single submitter. Criteria: Invitae Variant Classification Sherloc (09022015). Collection method: clinical testing. Allele origin: germline.

Baylor Genetics
Classification: Uncertain significance for Inflammatory bowel disease 25. Last evaluated: 2018-11-03. Review status: criteria provided, single submitter. Criteria: ACMG Guidelines, 2015. Collection method: clinical testing. Allele origin: maternal. Affected: yes.
Comment: This variant was determined to be of uncertain significance according to ACMG Guidelines, 2015 [PMID:25741868].

NM_000628.5(IL10RB):c.215C>T (p.Thr72Met)

Genes: IFNAR2-IL10RB (IFNAR2-IL10RB readthrough; plus strand), IL10RB (interleukin 10 receptor subunit beta; plus strand). Cytogenetic location: 21q22.11.
Variant type: single nucleotide variant.
Coding change: c.215C>T on transcript NM_000628.5 (MANE Select); coding-DNA position 215, C replaced by T.
Protein change: p.Thr72Met; replaces threonine 72 with methionine.
Molecular consequence: missense variant.
Genome position (GRCh38, 1-based): chr21:33,276,637, C>T. VCF-style: chr21-33276637-C-T. GRCh37 (hg19) VCF-style: chr21-34648942-C-T.
Other names: short protein forms T72M.
Identifiers: ClinVar variation 740152 (VCV000740152.13), dbSNP rs148466782, ClinGen allele CA10006104.